The following is an entry in ClinVar:

ClinVar aggregate classification (germline): Likely pathogenic (1 of 4 stars; one submission).

Conditions:
Congenital neutropenia-myelofibrosis-nephromegaly syndrome. Also called: Severe congenital neutropenia 5, autosomal recessive. Identifiers: Orphanet 369852, MedGen C3809031, MONDO:0014118, OMIM 615285.

Submission:

Natera, Inc.
Classification: Likely pathogenic for Autosomal recessive severe congenital neutropenia 5. Last evaluated: 2026-01-12. Review status: criteria provided, single submitter. Criteria: Natera Variant Classification Schema (03/2026). Collection method: clinical testing. Allele origin: germline.
Comment: The c.1297C>T variant in VPS45 is a nonsense variant predicted to introduce a stop codon at amino acid 433. This variant is expected to result in nonsense mediated decay, truncation, or a dysfunctional protein product. This variant is rare in the general population with a frequency below the threshold expected for the associated phenotype(s). Given the available evidence, this variant is classified as Likely Pathogenic.

NM_007259.5(VPS45):c.1297C>T (p.Arg433Ter)

Gene: VPS45 (vacuolar protein sorting 45 homolog; plus strand). Cytogenetic location: 1q21.2.
Variant type: single nucleotide variant.
Coding change: c.1297C>T on transcript NM_007259.5 (MANE Select); coding-DNA position 1297, C replaced by T.
Protein change: p.Arg433Ter; replaces arginine 433 with a stop codon.
Molecular consequence: nonsense. On other transcripts: non-coding transcript variant (1).
Genome position (GRCh38, 1-based): chr1:150,092,335, C>T. VCF-style: chr1-150092335-C-T. GRCh37 (hg19) VCF-style: chr1-150064429-C-T.
Other names: c.982C>T, p.Arg328Ter (NM_001279353.2); c.1189C>T, p.Arg397Ter (NM_001279354.2); short protein forms R328*, R397*, R433*.
Identifiers: ClinVar variation 4815526 (VCV004815526.1).